The following is an entry in ClinVar:

ClinVar aggregate classification (germline): Uncertain significance (1 of 4 stars; one submission).

Conditions:
STING-associated vasculopathy with onset in infancy. Also called: Sting-associated vasculopathy, infantile-onset. Identifiers: Orphanet 425120, MedGen C4014722, MONDO:0014405, OMIM 615934.

Submission:

Victorian Clinical Genetics Services, Murdoch Childrens Research Institute
Classification: Uncertain significance for STING-associated vasculopathy with onset in infancy. Last evaluated: 2022-03-31. Review status: criteria provided, single submitter. Criteria: ACMG Guidelines, 2015. Collection method: clinical testing. Allele origin: germline. Inheritance: Autosomal dominant inheritance.
Comment: Based on the classification scheme VCGS_Germline_v1.3.4, this variant is classified as VUS-3C. Following criteria are met: 0101 - Gain of function is a known mechanism of disease in this gene and is associated with STING-associated vasculopathy, infantile-onset (MIM#615934). Several missense variants in affected individuals have been shown to cause constitutive activation of TMEM173 leading to elevated transcription of downstream gene targets and overproduction of interferon (PMIDs: 25029335, 32673614). (I) 0108 - This gene is associated with both recessive and dominant disease. Autosomal dominant is the predominant mode of inheritance for this gene, but rare cases of autosomal recessive inheritance have been reported in individuals with severe interstitial lung disease and are currently only associated with the p.(Arg281Trp) variant (PMID: 32673614). (I) 0200 - Variant is predicted to result in a missense amino acid change from glutamine to arginine. (I) 0251 - This variant is heterozygous. (I) 0301 - Variant is absent from gnomAD (both v2 and v3). (SP) 0503 - Missense variant consistently predicted to be tolerated by multiple in silico tools or not conserved in placental mammals with a minor amino acid change. (SB) 0600 - Variant is located in the annotated transmembrane protein 173 domain (DECIPHER). (I) 0705 - No comparable missense variants have previous evidence for pathogenicity. (I) 0807 - This variant has no previous evidence of pathogenicity. (I) 0905 - No published segregation evidence has been identified for this variant. (I) 1007 - No published functional evidence has been identified for this variant. (I) 1208 - Inheritance information for this variant is not currently available in this individual. (I) Legend: (SP) - Supporting pathogenic, (I) - Information, (SB) - Supporting benign

Literature cited by the submitters: PubMed 25029335; PubMed 32673614.

NM_198282.4(STING1):c.683A>G (p.Gln228Arg)

Gene: STING1 (stimulator of interferon response cGAMP interactor 1; minus strand). Cytogenetic location: 5q31.2.
Variant type: single nucleotide variant.
Coding change: c.683A>G on transcript NM_198282.4 (MANE Select); coding-DNA position 683, A replaced by G.
Protein change: p.Gln228Arg; replaces glutamine 228 with arginine.
Molecular consequence: missense variant.
Genome position (GRCh38, 1-based): chr5:139,478,346, T>C on the plus strand (A>G on the coding strand, the complement: STING1 is on the minus strand). VCF-style: chr5-139478346-T-C. GRCh37 (hg19) VCF-style: chr5-138857931-T-C.
Other names: c.683A>G, p.Gln228Arg (NM_001301738.2); c.326A>G, p.Gln109Arg (NM_001367258.1); short protein forms Q109R, Q228R.
Identifiers: ClinVar variation 3377386 (VCV003377386.1).